The following is an entry in ClinVar:

NM_014314.4(RIGI):c.37C>T (p.Gln13Ter)

Genes: RIGI (RNA sensor RIG-I; minus strand), LOC130001628 (ATAC-STARR-seq lymphoblastoid active region 28262; plus strand). Cytogenetic location: 9p21.1.
Variant type: single nucleotide variant.
Coding change: c.37C>T on transcript NM_014314.4 (MANE Select); coding-DNA position 37, C replaced by T.
Protein change: p.Gln13Ter; replaces glutamine 13 with a stop codon.
Molecular consequence: nonsense. On other transcripts: 5 prime UTR variant (3).
Genome position (GRCh38, 1-based): chr9:32,526,130, G>A on the plus strand (C>T on the coding strand, the complement: RIGI is on the minus strand). VCF-style: chr9-32526130-G-A. GRCh37 (hg19) VCF-style: chr9-32526128-G-A.
Other names: c.37C>T, p.Gln13Ter (NM_001385907.1, NM_001385909.1, NM_001385913.1); c.-418C>T (NM_001385910.1, NM_001385914.1); c.-425C>T (NM_001385912.1); short protein forms Q13*.
Identifiers: ClinVar variation 2880353 (VCV002880353.4), dbSNP rs1216609994, ClinGen allele CA373151141.

ClinVar aggregate classification (germline): Uncertain significance. Review status: criteria provided, multiple submitters, no conflicts (2 of 4 stars). 2 submissions from 2 submitters: Uncertain significance (2). Last evaluated 2026-04-01.

Conditions:
Primary ciliary dyskinesia. Also called: Ciliary dyskinesia. Identifiers: Orphanet 244, MedGen C0008780, MONDO:0016575, HP:0012265.

gnomAD v4.1: 5 of 1,613,830 alleles (0.00031%); highest among the groups gnomAD compares: Non-Finnish European, 0.00042%; no homozygotes.

Submissions (2):

Department of Human Genetics, Hannover Medical School
Classification: Uncertain significance for Primary Ciliary Dyskinesia. Last evaluated: 2026-04-01. Review status: criteria provided, single submitter. Criteria: ACMG Guidelines, 2015. Collection method: research. Allele origin: germline. Affected: no.
Comment: Classification performed by HerediClassify using the following criteria:['PM2_supporting: Variant occures does not occur as homozygous in gnomAD.', 'PVS1_protein_strong: Transcript ENST00000379883 is not predicted to undergo NMD. Protein length change of 0.987027027027027 observed.']

Labcorp Genetics (formerly Invitae), Labcorp
Classification: Uncertain significance. Last evaluated: 2023-04-07. Review status: criteria provided, single submitter. Criteria: Invitae Variant Classification Sherloc (09022015). Collection method: clinical testing. Allele origin: germline.
Comment: In summary, the available evidence is currently insufficient to determine the role of this variant in disease. Therefore, it has been classified as a Variant of Uncertain Significance. This variant has not been reported in the literature in individuals affected with DDX58-related conditions. This variant is present in population databases (no rsID available, gnomAD 0.0009%). This sequence change creates a premature translational stop signal (p.Gln13*) in the DDX58 gene. It is expected to result in an absent or disrupted protein product. However, the current clinical and genetic evidence is not sufficient to establish whether loss-of-function variants in DDX58 cause disease.